The following is an entry in ClinVar:

NM_018341.3(ERMARD):c.489A>G (p.Gln163=)

Gene: ERMARD (ER membrane associated RNA degradation; plus strand). Cytogenetic location: 6q27.
Variant type: single nucleotide variant.
Coding change: c.489A>G on transcript NM_018341.3 (MANE Select); coding-DNA position 489, A replaced by G.
Protein change: p.Gln163=; no amino-acid change (glutamine 163 retained).
Molecular consequence: synonymous variant.
Genome position (GRCh38, 1-based): chr6:169,756,790, A>G. VCF-style: chr6-169756790-A-G. GRCh37 (hg19) VCF-style: chr6-170156886-A-G.
Other names: c.489A>G, p.Gln163= (NM_001278531.2, NM_001278533.2); c.111A>G, p.Gln37= (NM_001278532.2, NM_001410957.1); c.489A>G (NM_018341.2).
Identifiers: ClinVar variation 2139148 (VCV002139148.6), dbSNP rs139763023, ClinGen allele CA4105854.

ClinVar aggregate classification (germline): Likely benign. Review status: criteria provided, single submitter (1 of 4 stars). 2 submissions from 2 submitters: Likely benign (1). 1 of the submissions does not count toward it. Last evaluated 2024-01-28.

Conditions:
ERMARD-related disorder. Also called: ERMARD-related condition.

Allele frequency attached by ClinVar (database versions not stated): gnomAD exomes 0.00004; ExAC 0.00008; 1000 Genomes Project 0.00020; ESP Exome Variant Server 0.00023; gnomAD 0.00027; 1000 Genomes Project 30x 0.00031; TOPMed 0.00036.

Submissions (2):

Labcorp Genetics (formerly Invitae), Labcorp
Classification: Likely benign. Last evaluated: 2024-01-28. Review status: criteria provided, single submitter. Criteria: Invitae Variant Classification Sherloc (09022015). Collection method: clinical testing. Allele origin: germline.

PreventionGenetics, part of Exact Sciences
Classification: Likely benign for ERMARD-related condition. Last evaluated: 2019-07-11. Review status: no assertion criteria provided. Collection method: clinical testing. Allele origin: germline. Not counted in ClinVar's aggregate classification.
Comment: This variant is classified as likely benign based on ACMG/AMP sequence variant interpretation guidelines (Richards et al. 2015 PMID: 25741868, with internal and published modifications).